The following is an entry in ClinVar:

ClinVar aggregate classification (germline): Likely benign (0 of 4 stars; one submission).

Conditions:
IFT172-related disorder. Also called: IFT172-related disorders; IFT172-related condition.

gnomAD v4.1: 1 of 1,614,216 alleles (0.000062%); highest among the groups gnomAD compares: Admixed American, 0.0017%; no homozygotes.

Submission:

PreventionGenetics, part of Exact Sciences
Classification: Likely benign for IFT172-related condition. Last evaluated: 2023-08-24. Review status: no assertion criteria provided. Collection method: clinical testing. Allele origin: germline.
Comment: This variant is classified as likely benign based on ACMG/AMP sequence variant interpretation guidelines (Richards et al. 2015 PMID: 25741868, with internal and published modifications).

NM_015662.3(IFT172):c.3294G>T (p.Leu1098=)

Gene: IFT172 (intraflagellar transport 172; minus strand). Cytogenetic location: 2p23.3.
Variant type: single nucleotide variant.
Coding change: c.3294G>T on transcript NM_015662.3 (MANE Select); coding-DNA position 3294, G replaced by T.
Protein change: p.Leu1098=; no amino-acid change (leucine 1098 retained).
Molecular consequence: synonymous variant.
Genome position (GRCh38, 1-based): chr2:27,456,588, C>A on the plus strand (G>T on the coding strand, the complement: IFT172 is on the minus strand). VCF-style: chr2-27456588-C-A. GRCh37 (hg19) VCF-style: chr2-27679455-C-A.
Other names: c.3228G>T, p.Leu1076= (NM_001410739.1).
Identifiers: ClinVar variation 3347964 (VCV003347964.1).